The following is an entry in ClinVar:

ClinVar aggregate classification (germline): Uncertain significance (1 of 4 stars; one submission).

Allele frequency attached by ClinVar (database versions not stated): ExAC 0.00001; gnomAD exomes 0.00001.
gnomAD v4.1: 14 of 1,614,170 alleles (0.00087%); highest among the groups gnomAD compares: Non-Finnish European, 0.0011%; no homozygotes.

Submission:

Labcorp Genetics (formerly Invitae), Labcorp
Classification: Uncertain significance. Last evaluated: 2023-02-15. Review status: criteria provided, single submitter. Criteria: Invitae Variant Classification Sherloc (09022015). Collection method: clinical testing. Allele origin: germline.
Comment: In summary, the available evidence is currently insufficient to determine the role of this variant in disease. Therefore, it has been classified as a Variant of Uncertain Significance. Advanced modeling of protein sequence and biophysical properties (such as structural, functional, and spatial information, amino acid conservation, physicochemical variation, residue mobility, and thermodynamic stability) performed at Invitae indicates that this missense variant is not expected to disrupt KMT2A protein function. This sequence change replaces alanine, which is neutral and non-polar, with valine, which is neutral and non-polar, at codon 2701 of the KMT2A protein (p.Ala2701Val). This variant is present in population databases (rs782171684, gnomAD 0.0009%). This variant has not been reported in the literature in individuals affected with KMT2A-related conditions.

NM_001197104.2(KMT2A):c.8102C>T (p.Ala2701Val)

Gene: KMT2A (lysine methyltransferase 2A; plus strand). Cytogenetic location: 11q23.3.
Variant type: single nucleotide variant.
Coding change: c.8102C>T on transcript NM_001197104.2 (MANE Select); coding-DNA position 8102, C replaced by T.
Protein change: p.Ala2701Val; replaces alanine 2701 with valine.
Molecular consequence: missense variant.
Genome position (GRCh38, 1-based): chr11:118,503,994, C>T. VCF-style: chr11-118503994-C-T. GRCh37 (hg19) VCF-style: chr11-118374709-C-T.
Other names: c.8192C>T, p.Ala2731Val (NM_001412597.1); c.8093C>T, p.Ala2698Val (NM_005933.4); short protein forms A2731V, A2698V, A2701V.
Identifiers: ClinVar variation 2868934 (VCV002868934.3), dbSNP rs782171684, ClinGen allele CA6304454.